The following is an entry in ClinVar:

ClinVar aggregate classification (germline): Uncertain significance. Review status: criteria provided, multiple submitters, no conflicts (2 of 4 stars). 2 submissions from 2 submitters: Uncertain significance (2). Last evaluated 2025-11-20.

Conditions:
Pheochromocytoma/paraganglioma syndrome 4. Also called: CAROTID BODY TUMORS AND MULTIPLE EXTRAADRENAL PHEOCHROMOCYTOMAS; PARAGANGLIOMA, FAMILIAL MALIGNANT; PARAGANGLIOMAS, HEREDITARY EXTRAADRENAL; PHEOCHROMOCYTOMA, FAMILIAL EXTRAADRENAL; SDHB-Related Hereditary Paraganglioma-Pheochromocytoma Syndrome; SDHB-Related Hereditary Paraganglioma-Pheochromocytoma Syndrome (Paragangliomas 4). Identifiers: Orphanet 29072, MedGen C1861848, MONDO:0007273, OMIM 115310.
Pheochromocytoma. Also called: MAX-Related Hereditary Paraganglioma-Pheochromocytoma Syndrome. Identifiers: Orphanet 29072, MedGen C0031511, MONDO:0008233, OMIM 171300, HP:0002666.
Gastrointestinal stromal tumor. Also called: Gastrointestinal stroma tumor; Gastrointestinal stromal tumor, somatic. Identifiers: Orphanet 44890, MedGen C0238198, MeSH D046152, MONDO:0011719, OMIM 606764, HP:0100723.
Hereditary cancer-predisposing syndrome. Also called: Tumor predisposition; Neoplastic Syndromes, Hereditary; Hereditary Cancer Syndrome; Hereditary neoplastic syndrome. Identifiers: Orphanet 140162, MedGen C0027672, MeSH D009386, MONDO:0015356.

Allele frequency attached by ClinVar (database versions not stated): gnomAD exomes below 0.00001.
gnomAD v4.1: 1 of 1,613,956 alleles (0.000062%); highest among the groups gnomAD compares: Non-Finnish European, 0.000085%; no homozygotes.

Submissions (2):

Ambry Genetics
Classification: Uncertain significance for Hereditary cancer-predisposing syndrome. Last evaluated: 2025-11-20. Review status: criteria provided, single submitter. Criteria: Ambry Variant Classification Scheme 2023. Collection method: clinical testing. Allele origin: germline.
Comment: The p.T31R variant (also known as c.92C>G), located in coding exon 2 of the SDHB gene, results from a C to G substitution at nucleotide position 92. The threonine at codon 31 is replaced by arginine, an amino acid with similar properties. This amino acid position is highly conserved in available vertebrate species. In addition, this alteration is predicted to be deleterious by in silico analysis. Based on the available evidence, the clinical significance of this variant remains unclear.

Labcorp Genetics (formerly Invitae), Labcorp
Classification: Uncertain significance for Gastrointestinal stromal tumor; Pheochromocytoma/paraganglioma syndrome 4; Pheochromocytoma. Last evaluated: 2023-12-13. Review status: criteria provided, single submitter. Criteria: Invitae Variant Classification Sherloc (09022015). Collection method: clinical testing. Allele origin: germline.
Comment: This sequence change replaces threonine, which is neutral and polar, with arginine, which is basic and polar, at codon 31 of the SDHB protein (p.Thr31Arg). This variant is not present in population databases (gnomAD no frequency). This variant has not been reported in the literature in individuals affected with SDHB-related conditions. ClinVar contains an entry for this variant (Variation ID: 1721796). Advanced modeling of protein sequence and biophysical properties (such as structural, functional, and spatial information, amino acid conservation, physicochemical variation, residue mobility, and thermodynamic stability) performed at Invitae indicates that this missense variant is not expected to disrupt SDHB protein function with a negative predictive value of 95%. In summary, the available evidence is currently insufficient to determine the role of this variant in disease. Therefore, it has been classified as a Variant of Uncertain Significance.

NM_003000.3(SDHB):c.92C>G (p.Thr31Arg)

Gene: SDHB (succinate dehydrogenase complex iron sulfur subunit B; minus strand). Cytogenetic location: 1p36.13.
Variant type: single nucleotide variant.
Coding change: c.92C>G on transcript NM_003000.3 (MANE Select); coding-DNA position 92, C replaced by G.
Protein change: p.Thr31Arg; replaces threonine 31 with arginine.
Molecular consequence: missense variant.
Genome position (GRCh38, 1-based): chr1:17,044,869, G>C on the plus strand (C>G on the coding strand, the complement: SDHB is on the minus strand). VCF-style: chr1-17044869-G-C. GRCh37 (hg19) VCF-style: chr1-17371364-G-C.
Other names: c.92C>G, p.Thr31Arg (NM_001407361.1); short protein forms T31R.
Identifiers: ClinVar variation 1721796 (VCV001721796.6), dbSNP rs1553178750, ClinGen allele CA338228352.
Genomic context (GRCh38, chr1:17,044,869, plus strand): 5'-TTGTCTGGGTCCCATCGATAGATGGCAAATTTCTTGATACGGGGAGCTGTGGCTGCAGCT[G>C]TCTGGGCTCCTCGGGAGGCCTGAAATTTTTTAAAGTTCACAAAAAGGAAAAAAAAATTAG-3'
Protein context (NP_002991.2, residues 21-41): ACLQASRGAQ[Thr31Arg]AAATAPRIKK